The following is an entry in ClinVar:

ClinVar aggregate classification (germline): Benign/Likely benign. Review status: criteria provided, multiple submitters, no conflicts (2 of 4 stars). 6 submissions from 6 submitters: Benign (1); Likely benign (4). 1 of the submissions does not count toward it. Last evaluated 2026-02-04.

Conditions:
Curry-Hall syndrome (WAD). Also called: WEYERS ACRODENTAL DYSOSTOSIS. Identifiers: Orphanet 952, MedGen C0457013, MONDO:0008673, OMIM 193530.
Ellis-van Creveld syndrome (EVC). Also called: MESOECTODERMAL DYSPLASIA; Chondroectodermal dysplasia. Identifiers: Orphanet 289, MedGen C0013903, MONDO:0009162, OMIM 225500.
EVC2-related disorder. Also called: EVC2-related condition.

Allele frequency attached by ClinVar (database versions not stated): gnomAD exomes 0.00023 and 0.00057; ExAC 0.00073; ESP Exome Variant Server 0.00269; 1000 Genomes Project 0.00280; 1000 Genomes Project 30x 0.00281; gnomAD 0.00298 and 0.00319; TOPMed 0.00310.
gnomAD v4.1: 808 of 1,613,772 alleles (0.05%); highest among the groups gnomAD compares: African/African-American, 0.98%; 1 homozygote.

Submissions (6):

Labcorp Genetics (formerly Invitae), Labcorp
Classification: Benign for Curry-Hall syndrome; Ellis-van Creveld syndrome. Last evaluated: 2026-02-04. Review status: criteria provided, single submitter. Criteria: Invitae Variant Classification Sherloc (09022015). Collection method: clinical testing. Allele origin: germline.

Blueprint Genetics
Classification: Likely benign. Last evaluated: 2024-10-08. Review status: criteria provided, single submitter. Criteria: ACMG Guidelines, 2015. Collection method: clinical testing. Allele origin: germline.

GeneDx
Classification: Likely benign. Last evaluated: 2019-03-21. Review status: criteria provided, single submitter. Criteria: GeneDx Variant Classification Process June 2021. Collection method: clinical testing. Allele origin: germline. Affected: yes.

Illumina Laboratory Services, Illumina
Classification: Likely benign for Ellis-van Creveld syndrome. Last evaluated: 2018-01-13. Review status: criteria provided, single submitter. Criteria: ICSL Variant Classification Criteria 13 December 2019. Collection method: clinical testing. Allele origin: germline.
Comment: This variant was observed in the ICSL laboratory as part of a predisposition screen in an ostensibly healthy population. It had not been previously curated by ICSL or reported in the Human Gene Mutation Database (HGMD: prior to June 1st, 2018), and was therefore a candidate for classification through an automated scoring system. Utilizing variant allele frequency, disease prevalence and penetrance estimates, and inheritance mode, an automated score was calculated to assess if this variant is too frequent to cause the disease. Based on the score and internal cut-off values, a variant classified as likely benign is not then subjected to further curation. The score for this variant resulted in a classification of likely benign for this disease.

Eurofins Ntd Llc (ga)
Classification: Likely benign. Last evaluated: 2016-03-04. Review status: criteria provided, single submitter. Criteria: EGL Classification Definitions 2015. Collection method: clinical testing. Allele origin: germline. Observed: 1 variant allele, 1 heterozygote.

PreventionGenetics, part of Exact Sciences
Classification: Benign for EVC2-related condition. Last evaluated: 2019-09-26. Review status: no assertion criteria provided. Collection method: clinical testing. Allele origin: germline. Not counted in ClinVar's aggregate classification.
Comment: This variant is classified as benign based on ACMG/AMP sequence variant interpretation guidelines (Richards et al. 2015 PMID: 25741868, with internal and published modifications).

NM_147127.5(EVC2):c.1471-7T>C

Gene: EVC2 (EvC ciliary complex subunit 2; minus strand). Cytogenetic location: 4p16.2.
Variant type: single nucleotide variant.
Coding change: c.1471-7T>C on transcript NM_147127.5 (MANE Select); 7 bases into the intron before coding-DNA position 1471, T replaced by C.
Molecular consequence: intron variant.
Genome position (GRCh38, 1-based): chr4:5,632,039, A>G on the plus strand (T>C on the coding strand, the complement: EVC2 is on the minus strand). VCF-style: chr4-5632039-A-G. GRCh37 (hg19) VCF-style: chr4-5633766-A-G.
Other names: c.1231-7T>C (NM_001166136.2).
Identifiers: ClinVar variation 286563 (VCV000286563.24), dbSNP rs150842594, ClinGen allele CA2835036.